The following is an entry in ClinVar:

ClinVar aggregate classification (germline): Uncertain significance. Review status: criteria provided, multiple submitters, no conflicts (2 of 4 stars). 2 submissions from 2 submitters: Uncertain significance (2). Last evaluated 2026-01-06.

Conditions:
SMC1A-related disorder. Also called: SMC1A-related condition.
Congenital muscular hypertrophy-cerebral syndrome (CDLS2). Also called: SMC1A-Related Cornelia de Lange Syndrome; Cornelia de Lange syndrome 2. Identifiers: Orphanet 199, MedGen C1802395, MONDO:0010370, OMIM 300590.

Submissions (2):

Labcorp Genetics (formerly Invitae), Labcorp
Classification: Uncertain significance for Congenital muscular hypertrophy-cerebral syndrome. Last evaluated: 2026-01-06. Review status: criteria provided, single submitter. Criteria: Invitae Variant Classification Sherloc (09022015). Collection method: clinical testing. Allele origin: germline.
Comment: This sequence change replaces methionine, which is neutral and non-polar, with isoleucine, which is neutral and non-polar, at codon 1125 of the SMC1A protein (p.Met1125Ile). This variant is not present in population databases (gnomAD no frequency). This missense change has been observed in individual(s) with SMC1A-related conditions (internal data). Invitae Evidence Modeling of protein sequence and biophysical properties (such as structural, functional, and spatial information, amino acid conservation, physicochemical variation, residue mobility, and thermodynamic stability) indicates that this missense variant is not expected to disrupt SMC1A protein function with a negative predictive value of 80%. In summary, the available evidence is currently insufficient to determine the role of this variant in disease. Therefore, it has been classified as a Variant of Uncertain Significance.

PreventionGenetics, part of Exact Sciences
Classification: Uncertain significance for SMC1A-related condition. Last evaluated: 2025-03-14. Review status: criteria provided, single submitter. Criteria: ACMG Guidelines, 2015. Collection method: clinical testing. Allele origin: germline.
Comment: The SMC1A c.3375G>A variant is predicted to result in the amino acid substitution p.Met1125Ile. To our knowledge, this variant has not been reported in the literature or in a large population database (gnomAD), indicating this variant is rare. At this time, the clinical significance of this variant is uncertain due to the absence of conclusive functional and genetic evidence.

NM_006306.4(SMC1A):c.3375G>A (p.Met1125Ile)

Gene: SMC1A (structural maintenance of chromosomes 1A; minus strand). Cytogenetic location: Xp11.22.
Variant type: single nucleotide variant.
Coding change: c.3375G>A on transcript NM_006306.4 (MANE Select); coding-DNA position 3375, G replaced by A.
Protein change: p.Met1125Ile; replaces methionine 1125 with isoleucine.
Molecular consequence: missense variant.
Genome position (GRCh38, 1-based): chrX:53,382,294, C>T on the plus strand (G>A on the coding strand, the complement: SMC1A is on the minus strand). VCF-style: chrX-53382294-C-T. GRCh37 (hg19) VCF-style: chrX-53409215-C-T.
Other names: c.3309G>A, p.Met1103Ile (NM_001281463.1); short protein forms M1125I, M1103I.
Identifiers: ClinVar variation 4744872 (VCV004744872.2).